The following is an entry in ClinVar:

NM_177438.3(DICER1):c.5279C>A (p.Ala1760Asp)

Gene: DICER1 (dicer 1, ribonuclease III; minus strand). Cytogenetic location: 14q32.13.
Variant type: single nucleotide variant.
Coding change: c.5279C>A on transcript NM_177438.3 (MANE Select); coding-DNA position 5279, C replaced by A.
Protein change: p.Ala1760Asp; replaces alanine 1760 with aspartic acid.
Molecular consequence: missense variant. On other transcripts: non-coding transcript variant (6).
Genome position (GRCh38, 1-based): chr14:95,093,973, G>T on the plus strand (C>A on the coding strand, the complement: DICER1 is on the minus strand). VCF-style: chr14-95093973-G-T. GRCh37 (hg19) VCF-style: chr14-95560310-G-T.
Other names: c.5279C>A, p.Ala1760Asp (NM_001195573.1, NM_001271282.3, NM_001291628.2 and 8 more transcripts); c.4997C>A, p.Ala1666Asp (NM_001395686.1); c.4874C>A, p.Ala1625Asp (NM_001395687.1, NM_001395688.1, NM_001395689.1 and 1 more transcripts); c.4712C>A, p.Ala1571Asp (NM_001395691.1); c.3596C>A, p.Ala1199Asp (NM_001395697.1); short protein forms A1625D, A1760D, A1199D, A1666D, A1571D.
Identifiers: ClinVar variation 4746752 (VCV004746752.1).

ClinVar aggregate classification (germline): Uncertain significance (1 of 4 stars; one submission).

Conditions:
DICER1-related tumor predisposition. Also called: DICER1-related pleuropulmonary blastoma cancer predisposition syndrome; DICER1 syndrome. Identifiers: Orphanet 284343, MedGen C3839822, MONDO:0100216.

Submission:

Labcorp Genetics (formerly Invitae), Labcorp
Classification: Uncertain significance for DICER1-related tumor predisposition. Last evaluated: 2025-10-02. Review status: criteria provided, single submitter. Criteria: Invitae Variant Classification Sherloc (09022015). Collection method: clinical testing. Allele origin: germline.
Comment: This sequence change replaces alanine, which is neutral and non-polar, with aspartic acid, which is acidic and polar, at codon 1760 of the DICER1 protein (p.Ala1760Asp). This variant is not present in population databases (gnomAD no frequency). This variant has not been reported in the literature in individuals affected with DICER1-related conditions. Invitae Evidence Modeling of protein sequence and biophysical properties (such as structural, functional, and spatial information, amino acid conservation, physicochemical variation, residue mobility, and thermodynamic stability) indicates that this missense variant is not expected to disrupt DICER1 protein function with a negative predictive value of 95%. In summary, the available evidence is currently insufficient to determine the role of this variant in disease. Therefore, it has been classified as a Variant of Uncertain Significance.